The following is an entry in ClinVar:

ClinVar aggregate classification (germline): Likely benign. Review status: criteria provided, multiple submitters, no conflicts (2 of 4 stars). 2 submissions from 2 submitters: Likely benign (2). Last evaluated 2026-07-01.

Conditions:
Mucolipidosis type IV (ML4). Also called: ML IV. Identifiers: Orphanet 578, MedGen C0238286, MONDO:0009653, OMIM 252650.

gnomAD v4.1: 1 of 1,607,114 alleles (0.000062%); highest among the groups gnomAD compares: Middle Eastern, 0.017%; no homozygotes.

Submissions (2):

CeGaT Center for Human Genetics Tuebingen
Classification: Likely benign. Last evaluated: 2026-07-01. Review status: criteria provided, single submitter. Criteria: CeGaT Center For Human Genetics Tuebingen Variant Classification Criteria Version 2. Collection method: clinical testing. Allele origin: germline. Affected: yes. Observed: 1 variant allele.
Comment: MCOLN1: BP4

Labcorp Genetics (formerly Invitae), Labcorp
Classification: Likely benign for Mucolipidosis type IV. Last evaluated: 2023-05-20. Review status: criteria provided, single submitter. Criteria: Invitae Variant Classification Sherloc (09022015). Collection method: clinical testing. Allele origin: germline.

NM_020533.3(MCOLN1):c.1575+7C>A

Gene: MCOLN1 (mucolipin TRP cation channel 1; plus strand). Cytogenetic location: 19p13.2.
Variant type: single nucleotide variant.
Coding change: c.1575+7C>A on transcript NM_020533.3 (MANE Select); 7 bases into the intron after coding-DNA position 1575, C replaced by A.
Molecular consequence: intron variant.
Genome position (GRCh38, 1-based): chr19:7,530,508, C>A. VCF-style: chr19-7530508-C-A. GRCh37 (hg19) VCF-style: chr19-7595394-C-A.
Identifiers: ClinVar variation 1594492 (VCV001594492.9), dbSNP rs201375224, ClinGen allele CA2320963853.